The following is an entry in ClinVar:

ClinVar aggregate classification (germline): Uncertain significance (1 of 4 stars; one submission).

Conditions:
Mitral valve prolapse, myxomatous 2. Also called: Mitral valve prolapse 2; MMVP2. Identifiers: MedGen C1843003, MONDO:0011915, OMIM 607829.
Van Maldergem syndrome 1 (VMLDS1). Also called: Van Maldergem syndrome 1 (VMLDS1). Identifiers: Orphanet 314679, MedGen C4551950, MONDO:0011070, OMIM 601390.

Submission:

Clinical Genomics Laboratory, Washington University in St. Louis
Classification: Uncertain significance for Mitral valve prolapse, myxomatous 2; Van Maldergem syndrome 1. Last evaluated: 2024-07-05. Review status: criteria provided, single submitter. Criteria: ACMG Guidelines, 2015. Collection method: clinical testing. Allele origin: germline.
Comment: The DCHS1 c.8521G>T (p.Asp2841Tyr) variant, to our knowledge, has not been reported in the medical literature. This variant is absent from the general population (gnomAD v.2.1.1), indicating it is not a common variant. Computational predictors indicate that the variant is damaging, evidence that correlates with impact to DCHS1 function. Due to limited information, and based on ACMG/AMP guidelines for variant interpretation (Richards S et al., PMID: 25741868), the clinical significance of this variant is uncertain at this time.

NM_003737.4(DCHS1):c.8521G>T (p.Asp2841Tyr)

Gene: DCHS1 (dachsous cadherin-related 1; minus strand). Cytogenetic location: 11p15.4.
Variant type: single nucleotide variant.
Coding change: c.8521G>T on transcript NM_003737.4 (MANE Select); coding-DNA position 8521, G replaced by T.
Protein change: p.Asp2841Tyr; replaces aspartic acid 2841 with tyrosine.
Molecular consequence: missense variant.
Genome position (GRCh38, 1-based): chr11:6,623,155, C>A on the plus strand (G>T on the coding strand, the complement: DCHS1 is on the minus strand). VCF-style: chr11-6623155-C-A. GRCh37 (hg19) VCF-style: chr11-6644386-C-A.
Other names: short protein forms D2841Y.
Identifiers: ClinVar variation 3600519 (VCV003600519.1).